The following is an entry in ClinVar:

NM_000393.5(COL5A2):c.1040T>A (p.Leu347His)

Gene: COL5A2 (collagen type V alpha 2 chain; minus strand). Cytogenetic location: 2q32.2.
Variant type: single nucleotide variant.
Coding change: c.1040T>A on transcript NM_000393.5 (MANE Select); coding-DNA position 1040, T replaced by A.
Protein change: p.Leu347His; replaces leucine 347 with histidine.
Molecular consequence: missense variant.
Genome position (GRCh38, 1-based): chr2:189,078,535, A>T on the plus strand (T>A on the coding strand, the complement: COL5A2 is on the minus strand). VCF-style: chr2-189078535-A-T. GRCh37 (hg19) VCF-style: chr2-189943261-A-T.
Other names: c.1040T>A (NM_000393.4); short protein forms L347H.
Identifiers: ClinVar variation 1017239 (VCV001017239.11), dbSNP rs1356274894, ClinGen allele CA349855682.

ClinVar aggregate classification (germline): Uncertain significance. Review status: criteria provided, multiple submitters, no conflicts (2 of 4 stars). 2 submissions from 2 submitters: Uncertain significance (2). Last evaluated 2024-09-26.

Conditions:
Ehlers-Danlos syndrome, classic type, 1 (EDSCL1). Also called: EHLERS-DANLOS SYNDROME, GRAVIS TYPE; EHLERS-DANLOS SYNDROME, SEVERE CLASSIC TYPE; EDS I; Ehlers-Danlos Syndrome, Classic Type, COL5A1-Related; Ehlers-Danlos syndrome, type 1. Identifiers: MedGen C0268335, MONDO:0019567, OMIM 130000.
COL5A2-related disorder. Also called: COL5A2-related condition.

Allele frequency attached by ClinVar (database versions not stated): gnomAD exomes 0.00001 and 0.00005.
gnomAD v4.1: 63 of 1,612,602 alleles (0.0039%); highest among the groups gnomAD compares: Non-Finnish European, 0.0053%; no homozygotes.

Submissions (2):

Labcorp Genetics (formerly Invitae), Labcorp
Classification: Uncertain significance for Ehlers-Danlos syndrome, classic type, 1. Last evaluated: 2024-09-26. Review status: criteria provided, single submitter. Criteria: Invitae Variant Classification Sherloc (09022015). Collection method: clinical testing. Allele origin: germline.
Comment: This sequence change replaces leucine, which is neutral and non-polar, with histidine, which is basic and polar, at codon 347 of the COL5A2 protein (p.Leu347His). This variant is present in population databases (no rsID available, gnomAD 0.002%). This variant has not been reported in the literature in individuals affected with COL5A2-related conditions. ClinVar contains an entry for this variant (Variation ID: 1017239). Invitae Evidence Modeling of protein sequence and biophysical properties (such as structural, functional, and spatial information, amino acid conservation, physicochemical variation, residue mobility, and thermodynamic stability) indicates that this missense variant is not expected to disrupt COL5A2 protein function with a negative predictive value of 80%. In summary, the available evidence is currently insufficient to determine the role of this variant in disease. Therefore, it has been classified as a Variant of Uncertain Significance.

PreventionGenetics, part of Exact Sciences
Classification: Uncertain significance for COL5A2-related condition. Last evaluated: 2023-01-24. Review status: criteria provided, single submitter. Criteria: ACMG Guidelines, 2015. Collection method: clinical testing. Allele origin: germline.
Comment: The COL5A2 c.1040T>A variant is predicted to result in the amino acid substitution p.Leu347His. To our knowledge, this variant has not been reported in the literature. This variant is reported in 0.0018% of alleles in individuals of European (Non-Finnish) descent in gnomAD. At this time, the clinical significance of this variant is uncertain due to the absence of conclusive functional and genetic evidence.